The following is an entry in ClinVar:

NM_000368.5(TSC1):c.509-7T>A

Gene: TSC1 (TSC complex subunit 1; minus strand). Cytogenetic location: 9q34.13.
Variant type: single nucleotide variant.
Coding change: c.509-7T>A on transcript NM_000368.5 (MANE Select); 7 bases into the intron before coding-DNA position 509, T replaced by A.
Molecular consequence: intron variant.
Genome position (GRCh38, 1-based): chr9:132,921,980, A>T on the plus strand (T>A on the coding strand, the complement: TSC1 is on the minus strand). VCF-style: chr9-132921980-A-T. GRCh37 (hg19) VCF-style: chr9-135797367-A-T.
Other names: c.146-7T>A (NM_001406620.1, NM_001406618.1, NM_001406625.1 and 10 more transcripts); c.356-7T>A (NM_001406613.1, NM_001406612.1, NM_001406610.1 and 2 more transcripts); c.-369-7T>A (NM_001406627.1, NM_001406628.1, NM_001406626.1); c.-511-7T>A (NM_001406629.1); c.509-7T>A (NM_001406603.1, NM_001406609.1, NM_001406597.1 and 16 more transcripts); c.-585-7T>A (NM_001406630.1).
Identifiers: ClinVar variation 4777850 (VCV004777850.1).
Genomic context (GRCh38, chr9:132,921,980, plus strand): 5'-AGAGTGCGTACACACTGGCATGGAGATGGACGAGATAGACTTCCGCCACGTGGCCTAGAA[A>T]AGGAACCCGTTGAGAAGAGCCTCTTAGTTGGAGACAGATTGAGGAGTGCAAAACAGCTAT-3'

ClinVar aggregate classification (germline): Uncertain significance (1 of 4 stars; one submission).

Conditions:
Tuberous sclerosis 1 (TSC1). Identifiers: Orphanet 805, MedGen C1854465, MONDO:0008612, OMIM 191100.

Submission:

Labcorp Genetics (formerly Invitae), Labcorp
Classification: Uncertain significance for Tuberous sclerosis 1. Last evaluated: 2025-02-10. Review status: criteria provided, single submitter. Criteria: Invitae Variant Classification Sherloc (09022015). Collection method: clinical testing. Allele origin: germline.
Comment: This sequence change falls in intron 6 of the TSC1 gene. It does not directly change the encoded amino acid sequence of the TSC1 protein. This variant is not present in population databases (gnomAD no frequency). This variant has not been reported in the literature in individuals affected with TSC1-related conditions. Algorithms developed to predict the effect of sequence changes on RNA splicing suggest that this variant may create or strengthen a splice site. In summary, the available evidence is currently insufficient to determine the role of this variant in disease. Therefore, it has been classified as a Variant of Uncertain Significance.